The following is an entry in ClinVar:

ClinVar aggregate classification (germline): Uncertain significance. Review status: criteria provided, multiple submitters, no conflicts (2 of 4 stars). 2 submissions from 2 submitters: Uncertain significance (2). Last evaluated 2022-06-22.

Allele frequency attached by ClinVar (database versions not stated): gnomAD exomes below 0.00001; gnomAD 0.00001; ExAC 0.00002; 1000 Genomes Project 30x 0.00016; 1000 Genomes Project 0.00020.
gnomAD v4.1: 4 of 1,560,434 alleles (0.00026%); highest among the groups gnomAD compares: Admixed American, 0.0067%; no homozygotes.

Submissions (2):

Labcorp Genetics (formerly Invitae), Labcorp
Classification: Uncertain significance. Last evaluated: 2022-06-22. Review status: criteria provided, single submitter. Criteria: Invitae Variant Classification Sherloc (09022015). Collection method: clinical testing. Allele origin: germline.
Comment: In summary, the available evidence is currently insufficient to determine the role of this variant in disease. Therefore, it has been classified as a Variant of Uncertain Significance. Algorithms developed to predict the effect of missense changes on protein structure and function are either unavailable or do not agree on the potential impact of this missense change (SIFT: "Deleterious"; PolyPhen-2: "Probably Damaging"; Align-GVGD: "Class C0"). This missense change has been observed in individual(s) with retinitis pigmentosa (PMID: 8698075). This variant is present in population databases (rs551545798, gnomAD 0.01%). This sequence change replaces tyrosine, which is neutral and polar, with histidine, which is basic and polar, at codon 212 of the PDE6B protein (p.Tyr212His).

Blueprint Genetics
Classification: Uncertain significance. Last evaluated: 2019-11-08. Review status: criteria provided, single submitter. Criteria: ACMG Guidelines, 2015. Collection method: clinical testing. Allele origin: germline.

Literature cited by the submitters: PubMed 8698075 (cited by Labcorp Genetics (formerly Invitae), Labcorp).

NM_000283.4(PDE6B):c.634T>C (p.Tyr212His)

Gene: PDE6B (phosphodiesterase 6B; plus strand). Cytogenetic location: 4p16.3.
Variant type: single nucleotide variant.
Coding change: c.634T>C on transcript NM_000283.4 (MANE Select); coding-DNA position 634, T replaced by C.
Protein change: p.Tyr212His; replaces tyrosine 212 with histidine.
Molecular consequence: missense variant.
Genome position (GRCh38, 1-based): chr4:635,892, T>C. VCF-style: chr4-635892-T-C. GRCh37 (hg19) VCF-style: chr4-629681-T-C.
Other names: c.634T>C, p.Tyr212His (NM_001145291.2); short protein forms Y212H.
Identifiers: ClinVar variation 1928861 (VCV001928861.6), dbSNP rs551545798, ClinGen allele CA2794045.
Genomic context (GRCh38, chr4:635,892, plus strand): 5'-GTCTGAAAACTGGAATTTTAATTCCTCTTGTTGCAATTCCTGTTTCAGGTGTTCTTGAAG[T>C]ACCTGAATTTTGCCACGTTGTACCTGAAGATCTATCACCTGAGCTACCTCCACAACTGCG-3'
Protein context (NP_000274.3, residues 202-222): TSEDEDVFLK[Tyr212His]LNFATLYLKI